The following is an entry in ClinVar:

NM_014000.3(VCL):c.3236T>C (p.Ile1079Thr)

Gene: VCL (vinculin; plus strand). Cytogenetic location: 10q22.2.
Variant type: single nucleotide variant.
Coding change: c.3236T>C on transcript NM_014000.3 (MANE Select); coding-DNA position 3236, T replaced by C.
Protein change: p.Ile1079Thr; replaces isoleucine 1079 with threonine.
Molecular consequence: missense variant.
Genome position (GRCh38, 1-based): chr10:74,114,877, T>C. VCF-style: chr10-74114877-T-C. GRCh37 (hg19) VCF-style: chr10-75874635-T-C.
Other names: c.3032T>C, p.Ile1011Thr (NM_003373.4); short protein forms I1079T, I1011T.
Identifiers: ClinVar variation 166558 (VCV000166558.7), dbSNP rs727503742, ClinGen allele CA179622.

ClinVar aggregate classification (germline): Uncertain significance. Review status: criteria provided, multiple submitters, no conflicts (2 of 4 stars). 3 submissions from 3 submitters: Uncertain significance (3). Last evaluated 2025-10-02.

Conditions:
Cardiovascular phenotype. Identifiers: MedGen CN230736.
Dilated cardiomyopathy 1W (CMD1W). Identifiers: Orphanet 154, MedGen C1969639, MONDO:0012667, OMIM 611407.

Allele frequency attached by ClinVar (database versions not stated): gnomAD exomes below 0.00001.
gnomAD v4.1: 4 of 1,599,904 alleles (0.00025%); highest among the groups gnomAD compares: Middle Eastern, 0.017%; no homozygotes.

Submissions (3):

Labcorp Genetics (formerly Invitae), Labcorp
Classification: Uncertain significance for Dilated cardiomyopathy 1W. Last evaluated: 2025-10-02. Review status: criteria provided, single submitter. Criteria: Invitae Variant Classification Sherloc (09022015). Collection method: clinical testing. Allele origin: germline.
Comment: This sequence change replaces isoleucine, which is neutral and non-polar, with threonine, which is neutral and polar, at codon 1079 of the VCL protein (p.Ile1079Thr). This variant is not present in population databases (gnomAD no frequency). This variant has not been reported in the literature in individuals affected with VCL-related conditions. ClinVar contains an entry for this variant (Variation ID: 166558). An algorithm developed to predict the effect of missense changes on protein structure and function (PolyPhen-2) suggests that this variant is likely to be disruptive. In summary, the available evidence is currently insufficient to determine the role of this variant in disease. Therefore, it has been classified as a Variant of Uncertain Significance.

Ambry Genetics
Classification: Uncertain significance for Cardiovascular phenotype. Last evaluated: 2025-01-27. Review status: criteria provided, single submitter. Criteria: Ambry Variant Classification Scheme 2023. Collection method: clinical testing. Allele origin: germline.

Laboratory for Molecular Medicine, Mass General Brigham Personalized Medicine
Classification: Uncertain significance. Last evaluated: 2014-08-11. Review status: criteria provided, single submitter. Criteria: LMM Criteria. Collection method: clinical testing. Allele origin: germline. Observed: 1 variant allele.
Comment: The Ile1079Thr variant in VCL has not been previously reported in individuals wi th cardiomyopathy or in large population studies. Computational prediction tools and conservation analysis do not provide strong support for or against an impac t to the protein. In summary, the clinical significance of the Ile1079Thr varian t is uncertain.